The following is an entry in ClinVar:

ClinVar aggregate classification (germline): Uncertain significance (1 of 4 stars; one submission).

Submission:

Labcorp Genetics (formerly Invitae), Labcorp
Classification: Uncertain significance. Last evaluated: 2022-08-10. Review status: criteria provided, single submitter. Criteria: Invitae Variant Classification Sherloc (09022015). Collection method: clinical testing. Allele origin: germline.
Comment: ClinVar contains an entry for this variant (Variation ID: 1475162). In summary, the available evidence is currently insufficient to determine the role of this variant in disease. Therefore, it has been classified as a Variant of Uncertain Significance. Experimental studies and prediction algorithms are not available or were not evaluated, and the functional significance of this variant is currently unknown. This variant has not been reported in the literature in individuals affected with KIZ-related conditions. This variant is not present in population databases (gnomAD no frequency). This sequence change replaces serine, which is neutral and polar, with arginine, which is basic and polar, at codon 383 of the KIZ protein (p.Ser383Arg).

NM_018474.6(KIZ):c.1149T>G (p.Ser383Arg)

Gene: KIZ (kizuna centrosomal protein; plus strand). Cytogenetic location: 20p11.23.
Variant type: single nucleotide variant.
Coding change: c.1149T>G on transcript NM_018474.6 (MANE Select); coding-DNA position 1149, T replaced by G.
Protein change: p.Ser383Arg; replaces serine 383 with arginine.
Molecular consequence: missense variant.
Genome position (GRCh38, 1-based): chr20:21,162,956, T>G. VCF-style: chr20-21162956-T-G. GRCh37 (hg19) VCF-style: chr20-21143597-T-G.
Other names: c.840T>G, p.Ser280Arg (NM_001163022.3, NM_001352435.2); c.750T>G, p.Ser250Arg (NM_001163023.3); c.1002T>G, p.Ser334Arg (NM_001276389.2); c.1149T>G, p.Ser383Arg (NM_001352434.2); c.807T>G, p.Ser269Arg (NM_001352436.2); short protein forms S269R, S383R, S250R, S334R, S280R.
Identifiers: ClinVar variation 1475162 (VCV001475162.6), dbSNP rs2122702220, ClinGen allele CA408493546.